The following is an entry in ClinVar:

ClinVar aggregate classification (germline): Uncertain significance. Review status: criteria provided, multiple submitters, no conflicts (2 of 4 stars). 3 submissions from 3 submitters: Uncertain significance (3). Last evaluated 2024-10-09.

Conditions:
Sitosterolemia 1. Identifiers: MedGen C2749759, MONDO:0020747, OMIM 210250.
Cardiovascular phenotype. Identifiers: MedGen CN230736.

Allele frequency attached by ClinVar (database versions not stated): gnomAD exomes below 0.00001; TOPMed below 0.00001.
gnomAD v4.1: 2 of 1,551,202 alleles (0.00013%); highest among the groups gnomAD compares: Admixed American, 0.0039%; no homozygotes.

Submissions (3):

Labcorp Genetics (formerly Invitae), Labcorp
Classification: Uncertain significance. Last evaluated: 2024-10-09. Review status: criteria provided, single submitter. Criteria: Invitae Variant Classification Sherloc (09022015). Collection method: clinical testing. Allele origin: germline.
Comment: This sequence change replaces glutamic acid, which is acidic and polar, with lysine, which is basic and polar, at codon 8 of the ABCG8 protein (p.Glu8Lys). The frequency data for this variant in the population databases is considered unreliable, as metrics indicate poor data quality at this position in the gnomAD database. This variant has not been reported in the literature in individuals affected with ABCG8-related conditions. ClinVar contains an entry for this variant (Variation ID: 1789263). An algorithm developed to predict the effect of missense changes on protein structure and function outputs the following: PolyPhen-2: "Benign". The lysine amino acid residue is found in multiple mammalian species, which suggests that this missense change does not adversely affect protein function. In summary, the available evidence is currently insufficient to determine the role of this variant in disease. Therefore, it has been classified as a Variant of Uncertain Significance.

Revvity Omics, Revvity
Classification: Uncertain significance for Sitosterolemia 1. Last evaluated: 2024-06-05. Review status: criteria provided, single submitter. Criteria: ACMG Guidelines, 2015. Collection method: clinical testing. Allele origin: germline.

Ambry Genetics
Classification: Uncertain significance for Cardiovascular phenotype. Last evaluated: 2022-06-19. Review status: criteria provided, single submitter. Criteria: Ambry Variant Classification Scheme 2023. Collection method: clinical testing. Allele origin: germline.
Comment: The p.E8K variant (also known as c.22G>A), located in coding exon 1 of the ABCG8 gene, results from a G to A substitution at nucleotide position 22. The glutamic acid at codon 8 is replaced by lysine, an amino acid with similar properties. This amino acid position is conserved. In addition, this alteration is predicted to be tolerated by in silico analysis. Since supporting evidence is limited at this time, the clinical significance of this alteration remains unclear.

NM_022437.3(ABCG8):c.22G>A (p.Glu8Lys)

Genes: ABCG5 (ATP binding cassette subfamily G member 5; minus strand), ABCG8 (ATP binding cassette subfamily G member 8; plus strand). Cytogenetic location: 2p21.
Variant type: single nucleotide variant.
Coding change: c.22G>A on transcript NM_022437.3 (MANE Select); coding-DNA position 22, G replaced by A.
Protein change: p.Glu8Lys; replaces glutamic acid 8 with lysine.
Molecular consequence: missense variant.
Genome position (GRCh38, 1-based): chr2:43,839,075, G>A. VCF-style: chr2-43839075-G-A. GRCh37 (hg19) VCF-style: chr2-44066214-G-A.
Other names: c.22G>A, p.Glu8Lys (NM_001357321.2); short protein forms E8K.
Identifiers: ClinVar variation 1789263 (VCV001789263.5), dbSNP rs1199531123, ClinGen allele CA346662440.